The following is an entry in ClinVar:

ClinVar aggregate classification (germline): Uncertain significance. Review status: criteria provided, multiple submitters, no conflicts (2 of 4 stars). 3 submissions from 3 submitters: Uncertain significance (3). Last evaluated 2025-12-18.

Conditions:
Cardiovascular phenotype. Identifiers: MedGen CN230736.
RASopathy. Also called: rasopathies; Noonan spectrum disorder. Identifiers: Orphanet 536391, MedGen C5555857, MONDO:0021060.

Allele frequency attached by ClinVar (database versions not stated): gnomAD 0.00001; gnomAD exomes below 0.00001; TOPMed below 0.00001.
gnomAD v4.1: 4 of 1,612,958 alleles (0.00025%); highest among the groups gnomAD compares: African/African-American, 0.0027%; no homozygotes.

Submissions (3):

Labcorp Genetics (formerly Invitae), Labcorp
Classification: Uncertain significance for RASopathy. Last evaluated: 2025-12-18. Review status: criteria provided, single submitter. Criteria: Invitae Variant Classification Sherloc (09022015). Collection method: clinical testing. Allele origin: germline.
Comment: This sequence change replaces methionine, which is neutral and non-polar, with valine, which is neutral and non-polar, at codon 356 of the MAP2K1 protein (p.Met356Val). This variant is present in population databases (no rsID available, gnomAD 0.004%). This variant has not been reported in the literature in individuals affected with MAP2K1-related conditions. ClinVar contains an entry for this variant (Variation ID: 372936). Invitae Evidence Modeling of protein sequence and biophysical properties (such as structural, functional, and spatial information, amino acid conservation, physicochemical variation, residue mobility, and thermodynamic stability) has been performed for this missense variant. However, the output from this modeling did not meet the statistical confidence thresholds required to predict the impact of this variant on MAP2K1 protein function. In summary, the available evidence is currently insufficient to determine the role of this variant in disease. Therefore, it has been classified as a Variant of Uncertain Significance.

Ambry Genetics
Classification: Uncertain significance for Cardiovascular phenotype. Last evaluated: 2025-09-18. Review status: criteria provided, single submitter. Criteria: Ambry Variant Classification Scheme 2023. Collection method: clinical testing. Allele origin: germline.
Comment: The p.M356V variant (also known as c.1066A>G), located in coding exon 10 of the MAP2K1 gene, results from an A to G substitution at nucleotide position 1066. The methionine at codon 356 is replaced by valine, an amino acid with highly similar properties. This amino acid position is conserved. In addition, this alteration is predicted to be tolerated by in silico analysis. Since supporting evidence is limited at this time, the clinical significance of this alteration remains unclear.

GeneDx
Classification: Uncertain significance. Last evaluated: 2016-04-27. Review status: criteria provided, single submitter. Criteria: GeneDx Variant Classification (06012015). Collection method: clinical testing. Allele origin: germline. Affected: yes.
Comment: The M356V variant has not been published as a pathogenic variant or been reported as a benign variant to our knowledge. This variant was not observed in approximately 6,500 individuals of European and African American ancestry in the NHLBI Exome Sequencing Project, indicating it is not a common benign variant in these populations. Although the M356V variant occurs at a position that is conserved across species, V356 is present in at least one species. Furthermore, the M356V variant is a conservative amino acid substitution, which is not likely to impact secondary protein structure as these residues share similar properties. Consequently, in silico analysis is inconsistent in its predictions as to whether or not the variant is damaging to the protein structure/function.Therefore, based on the currently available information, it is unclear whether this variant is pathogenic or benign.

NM_002755.4(MAP2K1):c.1066A>G (p.Met356Val)

Genes: MAP2K1 (mitogen-activated protein kinase kinase 1; plus strand), SNAPC5 (small nuclear RNA activating complex polypeptide 5; minus strand). Cytogenetic location: 15q22.31.
Variant type: single nucleotide variant.
Coding change: c.1066A>G on transcript NM_002755.4 (MANE Select); coding-DNA position 1066, A replaced by G.
Protein change: p.Met356Val; replaces methionine 356 with valine.
Molecular consequence: missense variant. On other transcripts: 3 prime UTR variant (1), non-coding transcript variant (1).
Genome position (GRCh38, 1-based): chr15:66,489,761, A>G. VCF-style: chr15-66489761-A-G. GRCh37 (hg19) VCF-style: chr15-66782099-A-G.
Other names: c.*978T>C (NM_006049.4); c.922A>G, p.Met308Val (NM_001411065.1); short protein forms M356V, M308V.
Identifiers: ClinVar variation 372936 (VCV000372936.13), dbSNP rs1009731985, ClinGen allele CA16042968.